The following is an entry in ClinVar:

ClinVar aggregate classification (germline): Likely benign. Review status: criteria provided, single submitter (1 of 4 stars). 2 submissions from 2 submitters: Likely benign (1). 1 of the submissions does not count toward it. Last evaluated 2026-01-05.

Conditions:
CDK5RAP2-related disorder. Also called: CDK5RAP2-related condition.

Allele frequency attached by ClinVar (database versions not stated): ExAC 0.00004; gnomAD 0.00006; TOPMed 0.00008; ESP Exome Variant Server 0.00015.
gnomAD v4.1: 164 of 1,613,986 alleles (0.01%); highest among the groups gnomAD compares: Non-Finnish European, 0.013%; no homozygotes.

Submissions (2):

Labcorp Genetics (formerly Invitae), Labcorp
Classification: Likely benign. Last evaluated: 2026-01-05. Review status: criteria provided, single submitter. Criteria: Invitae Variant Classification Sherloc (09022015). Collection method: clinical testing. Allele origin: germline.

PreventionGenetics, part of Exact Sciences
Classification: Likely benign for CDK5RAP2-related condition. Last evaluated: 2023-12-20. Review status: no assertion criteria provided. Collection method: clinical testing. Allele origin: germline. Not counted in ClinVar's aggregate classification.
Comment: This variant is classified as likely benign based on ACMG/AMP sequence variant interpretation guidelines (Richards et al. 2015 PMID: 25741868, with internal and published modifications).

NM_018249.6(CDK5RAP2):c.2640C>T (p.Gly880=)

Gene: CDK5RAP2 (CDK5 regulatory subunit associated protein 2; minus strand). Cytogenetic location: 9q33.2.
Variant type: single nucleotide variant.
Coding change: c.2640C>T on transcript NM_018249.6 (MANE Select); coding-DNA position 2640, C replaced by T.
Protein change: p.Gly880=; no amino-acid change (glycine 880 retained).
Molecular consequence: synonymous variant. On other transcripts: non-coding transcript variant (5), intron variant (1).
Genome position (GRCh38, 1-based): chr9:120,453,609, G>A on the plus strand (C>T on the coding strand, the complement: CDK5RAP2 is on the minus strand). VCF-style: chr9-120453609-G-A. GRCh37 (hg19) VCF-style: chr9-123215887-G-A.
Other names: c.2640C>T, p.Gly880= (NM_001011649.3); c.2541C>T, p.Gly847= (NM_001410992.1); c.2544C>T, p.Gly848= (NM_001410993.1); c.2637C>T, p.Gly879= (NM_001410994.1); c.2104-5483C>T (NM_001272039.2); c.2640C>T (NM_018249.5).
Identifiers: ClinVar variation 1980208 (VCV001980208.6), dbSNP rs371253019, ClinGen allele CA5214029.
Genomic context (GRCh38, chr9:120,453,609, plus strand): 5'-GTTGATCGGTTTCTCTTCCCAAGCCTCTCTTGTTGCTTCATGCTTGAATCTCAGCAGGTC[G>A]CCCTCCGTGGCCACAGTCTGCACTGAGGCATCTTTCAGTCCTACCTTGGGCACTTCGCCT-3'
Protein context (NP_060719.4, residues 870-890): DASVQTVATE[Gly880=]DLLRFKHEAT